The following is an entry in ClinVar:

NM_000256.3(MYBPC3):c.2737+258C>T

Gene: MYBPC3 (myosin binding protein C3; minus strand). Cytogenetic location: 11p11.2.
Variant type: single nucleotide variant.
Coding change: c.2737+258C>T on transcript NM_000256.3 (MANE Select); 258 bases into the intron after coding-DNA position 2737, C replaced by T.
Molecular consequence: intron variant.
Genome position (GRCh38, 1-based): chr11:47,335,619, G>A on the plus strand (C>T on the coding strand, the complement: MYBPC3 is on the minus strand). VCF-style: chr11-47335619-G-A. GRCh37 (hg19) VCF-style: chr11-47357170-G-A.
Other names: NC_000011.9:g.47357170G>A.
Identifiers: ClinVar variation 680693 (VCV000680693.3), dbSNP rs2254240, ClinGen allele CA13461111.

ClinVar aggregate classification (germline): Benign. Review status: criteria provided, multiple submitters, no conflicts (2 of 4 stars). 2 submissions from 2 submitters: Benign (2). Last evaluated 2018-06-14.

Allele frequency attached by ClinVar (database versions not stated): gnomAD exomes 0.22467; gnomAD 0.27071 and 0.27242; TOPMed 0.27725; 1000 Genomes Project 30x 0.34400; 1000 Genomes Project 0.34525.
gnomAD v4.1: 92,857 of 382,274 alleles (24%); highest among the groups gnomAD compares: East Asian, 59%; 14,452 homozygotes.

Submissions (8):

GeneDx
Classification: Benign. Last evaluated: 2018-06-14. Review status: criteria provided, single submitter. Criteria: GeneDx Variant Classification (06012015). Collection method: clinical testing. Allele origin: germline. Affected: yes.
Comment: This variant is considered likely benign or benign based on one or more of the following criteria: it is a conservative change, it occurs at a poorly conserved position in the protein, it is predicted to be benign by multiple in silico algorithms, and/or has population frequency not consistent with disease.

Breakthrough Genomics
Classification: Benign. Review status: criteria provided, single submitter. Criteria: ACMG Guidelines, 2015. Collection method: not provided. Allele origin: germline. Inheritance: Autosomal dominant inheritance. Affected: yes.

Dr. Peter K. Rogan Lab, Western University
No classification provided (evidence only). Condition: Acute myeloid leukemia. Review status: no classification provided. Collection method: in vitro. Allele origin: not applicable. Functional consequence: retained intron. Not counted in ClinVar's aggregate classification.

Dr. Peter K. Rogan Lab, Western University
No classification provided (evidence only). Condition: Acute myeloid leukemia. Review status: no classification provided. Collection method: in vitro. Allele origin: not applicable. Functional consequence: retained intron. Not counted in ClinVar's aggregate classification.

Dr. Peter K. Rogan Lab, Western University
No classification provided (evidence only). Condition: Acute myeloid leukemia. Review status: no classification provided. Collection method: in vitro. Allele origin: not applicable. Functional consequence: retained intron. Not counted in ClinVar's aggregate classification.

Dr. Peter K. Rogan Lab, Western University
No classification provided (evidence only). Condition: Acute myeloid leukemia. Review status: no classification provided. Collection method: in vitro. Allele origin: not applicable. Functional consequence: retained intron. Not counted in ClinVar's aggregate classification.

Dr. Peter K. Rogan Lab, Western University
No classification provided (evidence only). Condition: Acute myeloid leukemia. Review status: no classification provided. Collection method: in vitro. Allele origin: not applicable. Functional consequence: retained intron. Not counted in ClinVar's aggregate classification.

Dr. Peter K. Rogan Lab, Western University
No classification provided (evidence only). Condition: Uterine carcinosarcoma. Review status: no classification provided. Collection method: in vitro. Allele origin: not applicable. Functional consequence: retained intron. Not counted in ClinVar's aggregate classification.